The following is an entry in ClinVar:

ClinVar aggregate classification (germline): Pathogenic (1 of 4 stars; one submission).

Conditions:
Hereditary cancer-predisposing syndrome. Also called: Tumor predisposition; Hereditary neoplastic syndrome; Hereditary Cancer Syndrome; Neoplastic Syndromes, Hereditary. Identifiers: Orphanet 140162, MedGen C0027672, MeSH D009386, MONDO:0015356.

Submission:

Ambry Genetics
Classification: Pathogenic for Hereditary cancer-predisposing syndrome. Last evaluated: 2022-09-20. Review status: criteria provided, single submitter. Criteria: Ambry Variant Classification Scheme 2023. Collection method: clinical testing. Allele origin: germline.
Comment: The c.2009_2016delCCCGCACC pathogenic mutation, located in coding exon 7 of the AXIN2 gene, results from a deletion of 8 nucleotides at nucleotide positions 2009 to 2016, causing a translational frameshift with a predicted alternate stop codon (p.P670Hfs*34). This alteration is expected to result in loss of function by premature protein truncation or nonsense-mediated mRNA decay. As such, this alteration is interpreted as a disease-causing mutation.

NM_004655.4(AXIN2):c.2009_2016del (p.Pro670fs)

Gene: AXIN2 (axin 2; minus strand). Cytogenetic location: 17q24.1.
Variant type: Deletion.
Coding change: c.2009_2016del on transcript NM_004655.4 (MANE Select); coding-DNA positions 2009 to 2016, 8 bases deleted (CCCGCACC; older notation c.2009_2016delCCCGCACC).
Protein change: p.Pro670fs; shifts the reading frame from proline 670.
Molecular consequence: frameshift variant.
Genome position (GRCh38, 1-based): chr17:65,536,445-65,536,452, GGTGCGGG deleted on the plus strand (CCCGCACC on the coding strand, the reverse complement: AXIN2 is on the minus strand); deleting any 8 consecutive bases within chr17:65,536,445-65,536,457 gives the same sequence; the c. name uses the placement nearest the transcript's 3' end. VCF-style (leftmost placement, unchanged base first): chr17-65536444-TGGTGCGGG-T. GRCh37 (hg19) VCF-style: chr17-63532562-TGGTGCGGG-T.
Other names: c.1814_1821del, p.Pro605fs (NM_001363813.1); c.2009_2016delCCCGCACC (NM_004655.3); short protein forms P605fs, P670fs.
Identifiers: ClinVar variation 3224387 (VCV003224387.1), dbSNP rs2509402279, ClinGen allele CA2825002593.
Genomic context (GRCh38, chr17:65,536,444, plus strand): 5'-TGTTGGGTGGGGTCAGGGGAGGCATCGCAGGGTCCTGGGTGAACAGGTGGGCACGGGGGG[TGGTGCGGG>T]GGTGCCCGCTGTTGCCCCCCCACAGATGGTGCCGGCTGGCTCGTTCGCCTGGAGACGAGC-3'